The following is an entry in ClinVar:

NM_017950.4(CCDC40):c.687_696del (p.Gly230fs)

Gene: CCDC40 (coiled-coil domain 40 molecular ruler complex subunit; plus strand). Cytogenetic location: 17q25.3.
Variant type: Deletion.
Coding change: c.687_696del on transcript NM_017950.4 (MANE Select); coding-DNA positions 687 to 696, 10 bases deleted (AGGGGTGCCC; older notation c.687_696delAGGGGTGCCC).
Protein change: p.Gly230fs; shifts the reading frame from glycine 230.
Molecular consequence: frameshift variant.
Genome position (GRCh38, 1-based): chr17:80,048,593-80,048,602, AGGGGTGCCC deleted; deleting any 10 consecutive bases within chr17:80,048,590-80,048,602 gives the same sequence; the c. name uses the placement nearest the transcript's 3' end. VCF-style (leftmost placement, unchanged base first): chr17-80048589-CCCCAGGGGTG-C. GRCh37 (hg19) VCF-style: chr17-78022388-CCCCAGGGGTG-C.
Other names: c.687_696del, p.Gly230fs (NM_001243342.2, NM_001330508.2); short protein forms G230fs.
Identifiers: ClinVar variation 2890480 (VCV002890480.3), dbSNP rs2037491178, ClinGen allele CA2277782951.

ClinVar aggregate classification (germline): Pathogenic (1 of 4 stars; one submission).

Conditions:
Primary ciliary dyskinesia. Also called: Ciliary dyskinesia. Identifiers: Orphanet 244, MedGen C0008780, MONDO:0016575, HP:0012265.

Submission:

Labcorp Genetics (formerly Invitae), Labcorp
Classification: Pathogenic for Primary ciliary dyskinesia. Last evaluated: 2025-11-01. Review status: criteria provided, single submitter. Criteria: Invitae Variant Classification Sherloc (09022015). Collection method: clinical testing. Allele origin: germline.
Comment: This sequence change creates a premature translational stop signal (p.Gly230Metfs*55) in the CCDC40 gene. It is expected to result in an absent or disrupted protein product. Loss-of-function variants in CCDC40 are known to be pathogenic (PMID: 21131974, 22693285, 23255504). This variant is not present in population databases (gnomAD no frequency). This variant has not been reported in the literature in individuals affected with CCDC40-related conditions. ClinVar contains an entry for this variant (Variation ID: 2890480). For these reasons, this variant has been classified as Pathogenic.

Literature cited by the submitters: PubMed 21131974; PubMed 22693285; PubMed 23255504.